The following is an entry in ClinVar:

NM_000271.5(NPC1):c.1947+7C>T

Gene: NPC1 (NPC intracellular cholesterol transporter 1; minus strand). Cytogenetic location: 18q11.2.
Variant type: single nucleotide variant.
Coding change: c.1947+7C>T on transcript NM_000271.5 (MANE Select); 7 bases into the intron after coding-DNA position 1947, C replaced by T.
Molecular consequence: intron variant.
Genome position (GRCh38, 1-based): chr18:23,544,953, G>A on the plus strand (C>T on the coding strand, the complement: NPC1 is on the minus strand). VCF-style: chr18-23544953-G-A. GRCh37 (hg19) VCF-style: chr18-21124917-G-A.
Identifiers: ClinVar variation 794808 (VCV000794808.14), dbSNP rs56394541, ClinGen allele CA8913335.
Genomic context (GRCh38, chr18:23,544,953, plus strand): 5'-AAAATATGACGTTACACTGTGCACTGCTGTTAACCTCTAGAACATACACCACCCCCCCCC[G>A]GCTTACCAGAAGCCTGCGACAGCTTTTCATGTGCCCCAAGGCTAGGGAAATATATAGAAA-3'

ClinVar aggregate classification (germline): Likely benign. Review status: criteria provided, multiple submitters, no conflicts (2 of 4 stars). 2 submissions from 2 submitters: Likely benign (2). Last evaluated 2026-02-01.

Conditions:
Niemann-Pick disease, type C1. Also called: NEUROVISCERAL STORAGE DISEASE WITH VERTICAL SUPRANUCLEAR OPHTHALMOPLEGIA; NIEMANN-PICK DISEASE WITH CHOLESTEROL ESTERIFICATION BLOCK; NIEMANN-PICK DISEASE WITHOUT SPHINGOMYELINASE DEFICIENCY; NIEMANN-PICK DISEASE, CHRONIC NEURONOPATHIC FORM; NIEMANN-PICK DISEASE, VARIANT TYPE C1. Identifiers: Orphanet 646, MedGen C3179455, MONDO:0009757, OMIM 257220.

Allele frequency attached by ClinVar (database versions not stated): gnomAD 0.00002 and 0.00011.
gnomAD v4.1: 80 of 1,121,898 alleles (0.0071%); highest among the groups gnomAD compares: South Asian, 0.069%; 2 homozygotes.

Submissions (2):

CeGaT Center for Human Genetics Tuebingen
Classification: Likely benign. Last evaluated: 2026-02-01. Review status: criteria provided, single submitter. Criteria: CeGaT Center For Human Genetics Tuebingen Variant Classification Criteria Version 2. Collection method: clinical testing. Allele origin: germline. Affected: yes. Observed: 1 variant allele.
Comment: NPC1: BP4, BS2

Labcorp Genetics (formerly Invitae), Labcorp
Classification: Likely benign for Niemann-Pick disease, type C1. Last evaluated: 2025-11-25. Review status: criteria provided, single submitter. Criteria: Invitae Variant Classification Sherloc (09022015). Collection method: clinical testing. Allele origin: germline.